The following is an entry in ClinVar:

NM_001385875.1(ZFYVE27):c.413G>T (p.Gly138Val)

Gene: ZFYVE27 (zinc finger FYVE-type containing 27; plus strand). Cytogenetic location: 10q24.2.
Variant type: single nucleotide variant.
Coding change: c.413G>T on transcript NM_001385875.1 (MANE Select); coding-DNA position 413, G replaced by T.
Protein change: p.Gly138Val; replaces glycine 138 with valine.
Molecular consequence: missense variant. On other transcripts: non-coding transcript variant (15), intron variant (9).
Genome position (GRCh38, 1-based): chr10:97,744,873, G>T. VCF-style: chr10-97744873-G-T. GRCh37 (hg19) VCF-style: chr10-99504630-G-T.
Other names: c.413G>T, p.Gly138Val (NM_001002261.4, NM_001002262.4, NM_001385871.1 and 10 more transcripts); c.317G>T, p.Gly106Val (NM_001174119.2, NM_001385885.1, NM_001385887.1 and 1 more transcripts); c.119G>T, p.Gly40Val (NM_001174121.2, NM_001385915.1); c.452G>T, p.Gly151Val (NM_001385876.1); c.377G>T, p.Gly126Val (NM_001385881.1); c.209G>T, p.Gly70Val (NM_001385890.1, NM_001385891.1, NM_001385892.1 and 6 more transcripts); c.176G>T, p.Gly59Val (NM_001385899.1, NM_001385900.1, NM_001385903.1 and 3 more transcripts); c.198-3396G>T (NM_001385902.1, NM_001385908.1, NM_001385901.1 and 3 more transcripts); and 2 more; short protein forms G138V, G40V, G106V, G126V, G151V, G59V, G70V.
Identifiers: ClinVar variation 130787 (VCV000130787.29), dbSNP rs10882993, ClinGen allele CA156071.

ClinVar aggregate classification (germline): Benign. Review status: criteria provided, multiple submitters, no conflicts (2 of 4 stars). 8 submissions from 8 submitters: Benign (7). 1 of the submissions does not count toward it. Last evaluated 2026-02-03.

Conditions:
Spastic paraplegia. Identifiers: MedGen C0037772, HP:0001258.
Hereditary spastic paraplegia 33. Also called: SPASTIC PARAPLEGIA 33, AUTOSOMAL DOMINANT. Identifiers: MedGen C1853251, MONDO:0012448, OMIM 610244.

Allele frequency attached by ClinVar (database versions not stated): 1000 Genomes Project 0.69649; 1000 Genomes Project 30x 0.69691; gnomAD exomes 0.70796 and 0.74148; TOPMed 0.72757; ExAC 0.73238; gnomAD 0.74156 and 0.74523; ESP Exome Variant Server 0.76384.
gnomAD v4.1: 1,191,311 of 1,607,502 alleles (74%); highest among the groups gnomAD compares: Middle Eastern, 77%; 444,151 homozygotes.

Submissions (8):

Labcorp Genetics (formerly Invitae), Labcorp
Classification: Benign for Spastic paraplegia. Last evaluated: 2026-02-03. Review status: criteria provided, single submitter. Criteria: Invitae Variant Classification Sherloc (09022015). Collection method: clinical testing. Allele origin: germline.

Genome-Nilou Lab
Classification: Benign for Hereditary spastic paraplegia 33. Last evaluated: 2021-12-05. Review status: criteria provided, single submitter. Criteria: ACMG Guidelines, 2015. Collection method: clinical testing. Allele origin: germline. Affected: no.

GeneDx
Classification: Benign. Last evaluated: 2021-06-09. Review status: criteria provided, single submitter. Criteria: GeneDx Variant Classification Process June 2021. Collection method: clinical testing. Allele origin: germline. Affected: yes.

Illumina Laboratory Services, Illumina
Classification: Benign for Hereditary spastic paraplegia 33. Last evaluated: 2018-01-13. Review status: criteria provided, single submitter. Criteria: ICSL Variant Classification Criteria 13 December 2019. Collection method: clinical testing. Allele origin: germline.
Comment: This variant was observed in the ICSL laboratory as part of a predisposition screen in an ostensibly healthy population. It had not been previously curated by ICSL or reported in the Human Gene Mutation Database (HGMD: prior to June 1st, 2018), and was therefore a candidate for classification through an automated scoring system. Utilizing variant allele frequency, disease prevalence and penetrance estimates, and inheritance mode, an automated score was calculated to assess if this variant is too frequent to cause the disease. Based on the score and internal cut-off values, a variant classified as benign is not then subjected to further curation. The score for this variant resulted in a classification of benign for this disease.

Eurofins Ntd Llc (ga)
Classification: Benign. Last evaluated: 2016-05-02. Review status: criteria provided, single submitter. Criteria: EGL Classification Definitions 2015. Collection method: clinical testing. Allele origin: germline. Observed: 1 variant allele, 1 heterozygote.

Mayo Clinic Laboratories, Mayo Clinic
Classification: Benign. Last evaluated: 2015-08-27. Review status: criteria provided, single submitter. Criteria: ACMG Guidelines, 2015. Collection method: clinical testing. Allele origin: germline. Observed: 423 variant alleles.

Breakthrough Genomics
Classification: Benign. Review status: criteria provided, single submitter. Criteria: ACMG Guidelines, 2015. Collection method: not provided. Allele origin: germline. Inheritance: Autosomal dominant inheritance. Affected: yes.

Genetic Services Laboratory, University of Chicago
Classification: Likely benign for AllHighlyPenetrant. Review status: no assertion criteria provided. Collection method: clinical testing. Allele origin: germline. Inheritance: Autosomal dominant inheritance. Not counted in ClinVar's aggregate classification.
Comment: Likely benign based on allele frequency in 1000 Genomes Project or ESP global frequency and its presence in a patient with a rare or unrelated disease phenotype. NOT Sanger confirmed.